The following is an entry in ClinVar:

NM_000059.4(BRCA2):c.3837T>C (p.Asn1279=)

Gene: BRCA2 (BRCA2 DNA repair associated; plus strand). Cytogenetic location: 13q13.1.
Variant type: single nucleotide variant.
Coding change: c.3837T>C on transcript NM_000059.4 (MANE Select); coding-DNA position 3837, T replaced by C.
Protein change: p.Asn1279=; no amino-acid change (asparagine 1279 retained).
Molecular consequence: synonymous variant.
Genome position (GRCh38, 1-based): chr13:32,338,192, T>C. VCF-style: chr13-32338192-T-C. GRCh37 (hg19) VCF-style: chr13-32912329-T-C.
Identifiers: ClinVar variation 481493 (VCV000481493.17), dbSNP rs1555283421, ClinGen allele CA483437980.
Genomic context (GRCh38, chr13:32,338,192, plus strand): 5'-TTTATCTTCAAGTAAATGTCATGATTCTGTTGTTTCAATGTTTAAGATAGAAAATCATAA[T>C]GATAAAACTGTAAGTGAAAAAAATAATAAATGCCAACTGATATTACAAAATAATATTGAA-3'
Protein context (NP_000050.3, residues 1269-1289): VVSMFKIENH[Asn1279=]DKTVSEKNNK

ClinVar aggregate classification (germline): Likely benign. Review status: criteria provided, multiple submitters, no conflicts (2 of 4 stars). 4 submissions from 4 submitters: Likely benign (4). Last evaluated 2025-11-05.

Conditions:
Hereditary breast ovarian cancer syndrome. Also called: Hereditary breast and ovarian cancer syndrome (HBOC); Breast and ovarian cancer; Hereditary breast and ovarian cancer syndrome; Hereditary breast and ovarian cancer; Hereditary breast and/or ovarian cancer syndrome; BRCA1- and BRCA2-Associated Hereditary Breast and Ovarian Cancer. Identifiers: Orphanet 145, MedGen C0677776, MeSH D061325, MONDO:0003582. Disease mechanism: loss of function.
Hereditary cancer-predisposing syndrome. Also called: Hereditary neoplastic syndrome; Neoplastic Syndromes, Hereditary; Tumor predisposition; Hereditary Cancer Syndrome. Identifiers: Orphanet 140162, MedGen C0027672, MeSH D009386, MONDO:0015356.
Breast-ovarian cancer, familial, susceptibility to, 2 (BROVCA2). Also called: BRCA2 Hereditary Breast and Ovarian Cancer. Identifiers: Orphanet 145, MedGen C2675520, MONDO:0012933, OMIM 612555. Disease mechanism: loss of function.

gnomAD v4.1: 2 of 1,557,668 alleles (0.00013%); highest among the groups gnomAD compares: Non-Finnish European, 0.00017%; no homozygotes.

Submissions (4):

Labcorp Genetics (formerly Invitae), Labcorp
Classification: Likely benign for Hereditary breast ovarian cancer syndrome. Last evaluated: 2025-11-05. Review status: criteria provided, single submitter. Criteria: Invitae Variant Classification Sherloc (09022015). Collection method: clinical testing. Allele origin: germline.

All of Us Research Program, National Institutes of Health
Classification: Likely benign for Breast-ovarian cancer, familial, susceptibility to, 2. Last evaluated: 2023-12-18. Review status: criteria provided, single submitter. Criteria: ACMG Guidelines, 2015. Collection method: clinical testing. Allele origin: germline. Inheritance: Autosomal dominant inheritance. Observed: 1 variant allele, 1 heterozygote.
Comment: This study involves interpretation of variants in research participants for the purpose of population health screening. Participant phenotype was not available at the time of variant classification. Additional details can be found in publication PMID: 35346344, PMCID: PMC8962531

Color Diagnostics, LLC DBA Color Health
Classification: Likely benign for Hereditary cancer-predisposing syndrome. Last evaluated: 2018-05-11. Review status: criteria provided, single submitter. Criteria: ACMG Guidelines, 2015. Collection method: clinical testing. Allele origin: germline.

Ambry Genetics
Classification: Likely benign for Hereditary cancer-predisposing syndrome. Last evaluated: 2017-05-02. Review status: criteria provided, single submitter. Criteria: Ambry Variant Classification Scheme 2023. Collection method: clinical testing. Allele origin: germline.